The following is an entry in ClinVar:

ClinVar aggregate classification (germline): Pathogenic (1 of 4 stars; one submission).

Submission:

Labcorp Genetics (formerly Invitae), Labcorp
Classification: Pathogenic. Last evaluated: 2024-12-16. Review status: criteria provided, single submitter. Criteria: Invitae Variant Classification Sherloc (09022015). Collection method: clinical testing. Allele origin: germline.
Comment: This sequence change creates a premature translational stop signal (Thr1099Serfs*32) in the ATP8A2 gene. It is expected to result in an absent or disrupted protein product. Loss-of-function variants in ATP8A2 are known to be pathogenic (PMID: 28454995, 29531481). This variant is not present in population databases (gnomAD no frequency). This variant has not been reported in the literature in individuals affected with ATP8A2-related conditions. For these reasons, this variant has been classified as Pathogenic.

Literature cited by the submitters: PubMed 28454995; PubMed 29531481.

NM_016529.6(ATP8A2):c.3296_3297delinsGCAAGCACAC (p.Thr1099fs)

Gene: ATP8A2 (ATPase phospholipid transporting 8A2). Cytogenetic location: 13q12.13.
Variant type: Indel.
Coding change: c.3296_3297delinsGCAAGCACAC on transcript NM_016529.6 (MANE Select); coding-DNA positions 3296 to 3297, the reference bases replaced by GCAAGCACAC.
Protein change: p.Thr1099fs; shifts the reading frame from threonine 1099.
Molecular consequence: frameshift variant.
Genome position: GRCh38 VCF-style: chr13-25968598-CA-GCAAGCACAC. GRCh37 (hg19) VCF-style: chr13-26542736-CA-GCAAGCACAC.
Other names: c.3101_3102delinsGCAAGCACAC, p.Thr1034fs (NM_001313741.1); c.3221_3222delCAinsGCAAGCACAC, p.Thr1074Serfs (NM_001411005.1); short protein forms T1099fs, T1034fs.
Identifiers: ClinVar variation 2052322 (VCV002052322.4), dbSNP rs2543093050, ClinGen allele CA2580086848.